The following is an entry in ClinVar:

ClinVar aggregate classification (germline): Likely benign (1 of 4 stars; one submission).

gnomAD v4.1: 6 of 1,612,778 alleles (0.00037%); highest among the groups gnomAD compares: Non-Finnish European, 0.00051%; no homozygotes.

Submission:

CeGaT Center for Human Genetics Tuebingen
Classification: Likely benign. Last evaluated: 2026-05-01. Review status: criteria provided, single submitter. Criteria: CeGaT Center For Human Genetics Tuebingen Variant Classification Criteria Version 2. Collection method: clinical testing. Allele origin: germline. Affected: yes. Observed: 1 variant allele.
Comment: GLI3: BP4, BP7

NM_000168.6(GLI3):c.2604G>T (p.Ser868=)

Gene: GLI3 (GLI family zinc finger 3; minus strand). Cytogenetic location: 7p14.1.
Variant type: single nucleotide variant.
Coding change: c.2604G>T on transcript NM_000168.6 (MANE Select); coding-DNA position 2604, G replaced by T.
Protein change: p.Ser868=; no amino-acid change (serine 868 retained).
Molecular consequence: synonymous variant.
Genome position (GRCh38, 1-based): chr7:41,966,469, C>A on the plus strand (G>T on the coding strand, the complement: GLI3 is on the minus strand). VCF-style: chr7-41966469-C-A. GRCh37 (hg19) VCF-style: chr7-42006067-C-A.
Identifiers: ClinVar variation 4873471 (VCV004873471.2).
Genomic context (GRCh38, chr7:41,966,469, plus strand): 5'-GTTCTGCGGCCGGCCCTCGGCCTGTGACGCCTCGCTGGAGCGGCGGCTGGAGAAGCAGGG[C>A]GAGATCCCTGAGGAGCGGCGGCTGCTCAGGTAGGCCGAGCTGATGGTGCTGGCGCTGCTG-3'
Protein context (NP_000159.3, residues 858-878): YLSSRRSSGI[Ser868=]PCFSSRRSSE